The following is an entry in ClinVar:

ClinVar aggregate classification (germline): Likely benign. Review status: criteria provided, multiple submitters, no conflicts (2 of 4 stars). 2 submissions from 2 submitters: Likely benign (2). Last evaluated 2026-04-01.

Conditions:
Cardiovascular phenotype. Identifiers: MedGen CN230736.

Submissions (2):

CeGaT Center for Human Genetics Tuebingen
Classification: Likely benign. Last evaluated: 2026-04-01. Review status: criteria provided, single submitter. Criteria: CeGaT Center For Human Genetics Tuebingen Variant Classification Criteria Version 2. Collection method: clinical testing. Allele origin: germline. Affected: yes. Observed: 2 variant alleles.
Comment: TRDN: PM2:Supporting, BP4, BP7

Ambry Genetics
Classification: Likely benign for Cardiovascular phenotype. Last evaluated: 2026-03-11. Review status: criteria provided, single submitter. Criteria: Ambry Variant Classification Scheme 2023. Collection method: clinical testing. Allele origin: germline.

NM_006073.4(TRDN):c.1098A>G (p.Ala366=)

Gene: TRDN (triadin; minus strand). Cytogenetic location: 6q22.31.
Variant type: single nucleotide variant.
Coding change: c.1098A>G on transcript NM_006073.4 (MANE Select); coding-DNA position 1098, A replaced by G.
Protein change: p.Ala366=; no amino-acid change (alanine 366 retained).
Molecular consequence: synonymous variant.
Genome position (GRCh38, 1-based): chr6:123,393,631, T>C on the plus strand (A>G on the coding strand, the complement: TRDN is on the minus strand). VCF-style: chr6-123393631-T-C. GRCh37 (hg19) VCF-style: chr6-123714776-T-C.
Other names: c.1101A>G, p.Ala367= (NM_001251987.2); c.1041A>G, p.Ala347= (NM_001407315.1); c.1098A>G (NM_006073.2).
Identifiers: ClinVar variation 3389080 (VCV003389080.14).
Genomic context (GRCh38, chr6:123,393,631, plus strand): 5'-TGCTATAGATGTTTAAAAAAAGGCAATGCTTTTTAAAGTGTTTTATTGCTTACCTTGTGC[T>C]GCAATTTTTACAGTCCCTTGTTTGGTTTCAGAAGCTTTTCCCGGCTCTTGGAATGAAAAA-3'
Protein context (NP_006064.2, residues 356-376): SETKQGTVKI[Ala366=]AQAAAKKDEK